The following is an entry in ClinVar:

NM_000939.4(POMC):c.73C>T (p.Arg25Cys)

Gene: POMC (proopiomelanocortin; minus strand). Cytogenetic location: 2p23.3.
Variant type: single nucleotide variant.
Coding change: c.73C>T on transcript NM_000939.4 (MANE Select); coding-DNA position 73, C replaced by T.
Protein change: p.Arg25Cys; replaces arginine 25 with cysteine.
Molecular consequence: missense variant.
Genome position (GRCh38, 1-based): chr2:25,164,700, G>A on the plus strand (C>T on the coding strand, the complement: POMC is on the minus strand). VCF-style: chr2-25164700-G-A. GRCh37 (hg19) VCF-style: chr2-25387569-G-A.
Other names: c.73C>T (NM_001035256.1, NM_000939.3); c.73C>T, p.Arg25Cys (NM_001035256.3, NM_001319204.2, NM_001319205.2); short protein forms R25C.
Identifiers: ClinVar variation 2576550 (VCV002576550.5), dbSNP rs866305615, ClinGen allele CA43686512.

ClinVar aggregate classification (germline): Uncertain significance. Review status: criteria provided, multiple submitters, no conflicts (2 of 4 stars). 3 submissions from 3 submitters: Uncertain significance (3). Last evaluated 2026-07-01.

Conditions:
Inherited obesity. Also called: Monogenic Obesity. Identifiers: Orphanet 77828, MedGen C4054476, MONDO:0019182, OMIM 601665.
POMC-related disorder. Also called: POMC-related condition; POMC-related disorders.
Inborn genetic diseases. Identifiers: MedGen C0950123, MeSH D030342.

Allele frequency attached by ClinVar (database versions not stated): gnomAD exomes 0.00002; gnomAD 0.00003; TOPMed 0.00004.
gnomAD v4.1: 32 of 1,614,048 alleles (0.002%); highest among the groups gnomAD compares: Admixed American, 0.0083%; no homozygotes.

Submissions (3):

PreventionGenetics, part of Exact Sciences
Classification: Uncertain significance for POMC-related condition. Last evaluated: 2026-07-01. Review status: criteria provided, single submitter. Criteria: ACMG Guidelines, 2015. Collection method: clinical testing. Allele origin: germline.
Comment: The POMC c.73C>T variant is predicted to result in the amino acid substitution p.Arg25Cys. This variant was observed in a cohort of individuals with obesity, and in vitro functional studies showed this variant did not reduce protein function and could cause increased function (Supplemental Data Set 3, Shah et al. 2023. PubMed ID: 36864747). This variant is reported in 0.0054% of alleles in individuals of East Asian descent in gnomAD. At this time, the clinical significance of this variant is uncertain due to the absence of conclusive functional and genetic evidence.

Ambry Genetics
Classification: Uncertain significance for Inborn genetic diseases. Last evaluated: 2025-03-28. Review status: criteria provided, single submitter. Criteria: Ambry Variant Classification Scheme 2023. Collection method: clinical testing. Allele origin: germline.

Institute of Human Genetics, University of Leipzig Medical Center
Classification: Uncertain significance for Inherited obesity. Last evaluated: 2023-07-24. Review status: criteria provided, single submitter. Criteria: ACMG Guidelines, 2015. Collection method: clinical testing. Allele origin: unknown. Inheritance: Autosomal dominant inheritance. Affected: yes.